The following is an entry in ClinVar:

ClinVar aggregate classification (germline): Uncertain significance (1 of 4 stars; one submission).

gnomAD v4.1: 29 of 1,614,040 alleles (0.0018%); highest among the groups gnomAD compares: Non-Finnish European, 0.0025%; no homozygotes.

Submission:

Labcorp Genetics (formerly Invitae), Labcorp
Classification: Uncertain significance. Last evaluated: 2024-07-27. Review status: criteria provided, single submitter. Criteria: Invitae Variant Classification Sherloc (09022015). Collection method: clinical testing. Allele origin: germline.
Comment: This sequence change replaces glutamic acid, which is acidic and polar, with lysine, which is basic and polar, at codon 350 of the GABRB1 protein (p.Glu350Lys). This variant is not present in population databases (gnomAD no frequency). This variant has not been reported in the literature in individuals affected with GABRB1-related conditions. Advanced modeling of protein sequence and biophysical properties (such as structural, functional, and spatial information, amino acid conservation, physicochemical variation, residue mobility, and thermodynamic stability) performed at Invitae indicates that this missense variant is not expected to disrupt GABRB1 protein function with a negative predictive value of 95%. In summary, the available evidence is currently insufficient to determine the role of this variant in disease. Therefore, it has been classified as a Variant of Uncertain Significance.

NM_000812.4(GABRB1):c.1048G>A (p.Glu350Lys)

Gene: GABRB1 (gamma-aminobutyric acid type A receptor subunit beta1; plus strand). Cytogenetic location: 4p12.
Variant type: single nucleotide variant.
Coding change: c.1048G>A on transcript NM_000812.4 (MANE Select); coding-DNA position 1048, G replaced by A.
Protein change: p.Glu350Lys; replaces glutamic acid 350 with lysine.
Molecular consequence: missense variant.
Genome position (GRCh38, 1-based): chr4:47,406,894, G>A. VCF-style: chr4-47406894-G-A. GRCh37 (hg19) VCF-style: chr4-47408911-G-A.
Other names: short protein forms E350K.
Identifiers: ClinVar variation 3611945 (VCV003611945.2).